The following is an entry in ClinVar:

ClinVar aggregate classification (germline): Uncertain significance. Review status: criteria provided, multiple submitters, no conflicts (2 of 4 stars). 3 submissions from 3 submitters: Uncertain significance (3). Last evaluated 2026-04-13.

Conditions:
KIZ-related disorder. Also called: KIZ-related condition.

Allele frequency attached by ClinVar (database versions not stated): gnomAD exomes 0.00002; TOPMed 0.00006; gnomAD 0.00010 and 0.00012.
gnomAD v4.1: 32 of 1,468,072 alleles (0.0022%); highest among the groups gnomAD compares: African/African-American, 0.038%; no homozygotes.

Submissions (3):

PreventionGenetics, part of Exact Sciences
Classification: Uncertain significance for KIZ-related condition. Last evaluated: 2026-04-13. Review status: criteria provided, single submitter. Criteria: ACMG Guidelines, 2015. Collection method: clinical testing. Allele origin: germline.
Comment: The KIZ c.396C>G variant is predicted to result in the amino acid substitution p.Asp132Glu. To our knowledge, this variant has not been reported in the literature. This variant is present in 0.019% of alleles in individuals of African descent in gnomAD. At this time, the clinical significance of this variant is uncertain due to the absence of conclusive functional and genetic evidence.

Labcorp Genetics (formerly Invitae), Labcorp
Classification: Uncertain significance. Last evaluated: 2023-10-03. Review status: criteria provided, single submitter. Criteria: Invitae Variant Classification Sherloc (09022015). Collection method: clinical testing. Allele origin: germline.
Comment: This sequence change replaces aspartic acid, which is acidic and polar, with glutamic acid, which is acidic and polar, at codon 132 of the KIZ protein (p.Asp132Glu). This variant is present in population databases (rs570978518, gnomAD 0.02%). This variant has not been reported in the literature in individuals affected with KIZ-related conditions. ClinVar contains an entry for this variant (Variation ID: 969614). Experimental studies and prediction algorithms are not available or were not evaluated, and the functional significance of this variant is currently unknown. In summary, the available evidence is currently insufficient to determine the role of this variant in disease. Therefore, it has been classified as a Variant of Uncertain Significance.

Blueprint Genetics
Classification: Uncertain significance. Last evaluated: 2022-09-06. Review status: criteria provided, single submitter. Criteria: ACMG Guidelines, 2015. Collection method: clinical testing. Allele origin: germline.

NM_018474.6(KIZ):c.396C>G (p.Asp132Glu)

Gene: KIZ (kizuna centrosomal protein; plus strand). Cytogenetic location: 20p11.23.
Variant type: single nucleotide variant.
Coding change: c.396C>G on transcript NM_018474.6 (MANE Select); coding-DNA position 396, C replaced by G.
Protein change: p.Asp132Glu; replaces aspartic acid 132 with glutamic acid.
Molecular consequence: missense variant. On other transcripts: intron variant (1).
Genome position (GRCh38, 1-based): chr20:21,145,645, C>G. VCF-style: chr20-21145645-C-G. GRCh37 (hg19) VCF-style: chr20-21126286-C-G.
Other names: c.87C>G, p.Asp29Glu (NM_001163022.3, NM_001352435.2); c.249C>G, p.Asp83Glu (NM_001276389.2); c.396C>G, p.Asp132Glu (NM_001352434.2); c.54C>G, p.Asp18Glu (NM_001352436.2); c.6+13486C>G (NM_001163023.3); c.396C>G (NM_018474.5); short protein forms D132E, D18E, D29E, D83E.
Identifiers: ClinVar variation 969614 (VCV000969614.9), dbSNP rs570978518, ClinGen allele CA312977913.